The following is an entry in ClinVar:

NM_032119.4(ADGRV1):c.14462T>C (p.Leu4821Pro)

Gene: ADGRV1 (adhesion G protein-coupled receptor V1; plus strand). Cytogenetic location: 5q14.3.
Variant type: single nucleotide variant.
Coding change: c.14462T>C on transcript NM_032119.4 (MANE Select); coding-DNA position 14462, T replaced by C.
Protein change: p.Leu4821Pro; replaces leucine 4821 with proline.
Molecular consequence: missense variant. On other transcripts: non-coding transcript variant (1).
Genome position (GRCh38, 1-based): chr5:90,791,291, T>C. VCF-style: chr5-90791291-T-C. GRCh37 (hg19) VCF-style: chr5-90087108-T-C.
Other names: short protein forms L4821P.
Identifiers: ClinVar variation 970854 (VCV000970854.8), dbSNP rs1288488786, ClinGen allele CA360402056.
Genomic context (GRCh38, chr5:90,791,291, plus strand): 5'-TTCGAATATCATCGGATCATAAAGAACAGCCGATTGTTACCGAAAATGCAGAGAGGCAGC[T>C]GGTGGTCAAAGATGGTGCCACATATAAAGTGGACGTGGTGCCAATAAAGAATCAGGTTTG-3'
Protein context (NP_115495.3, residues 4811-4831): PIVTENAERQ[Leu4821Pro]VVKDGATYKV

ClinVar aggregate classification (germline): Uncertain significance (1 of 4 stars; one submission).

Allele frequency attached by ClinVar (database versions not stated): gnomAD exomes below 0.00001; gnomAD 0.00001; TOPMed 0.00001.
gnomAD v4.1: 2 of 1,600,406 alleles (0.00012%); highest among the groups gnomAD compares: African/African-American, 0.0027%; no homozygotes.

Submission:

Labcorp Genetics (formerly Invitae), Labcorp
Classification: Uncertain significance. Last evaluated: 2023-12-11. Review status: criteria provided, single submitter. Criteria: Invitae Variant Classification Sherloc (09022015). Collection method: clinical testing. Allele origin: germline.
Comment: This sequence change replaces leucine, which is neutral and non-polar, with proline, which is neutral and non-polar, at codon 4821 of the ADGRV1 protein (p.Leu4821Pro). This variant is present in population databases (no rsID available, gnomAD 0.01%). This variant has not been reported in the literature in individuals affected with ADGRV1-related conditions. ClinVar contains an entry for this variant (Variation ID: 970854). Advanced modeling of protein sequence and biophysical properties (such as structural, functional, and spatial information, amino acid conservation, physicochemical variation, residue mobility, and thermodynamic stability) performed at Invitae indicates that this missense variant is not expected to disrupt ADGRV1 protein function with a negative predictive value of 80%. In summary, the available evidence is currently insufficient to determine the role of this variant in disease. Therefore, it has been classified as a Variant of Uncertain Significance.